The following is an entry in ClinVar:

NM_206933.4(USH2A):c.9258+15T>C

Gene: USH2A (usherin; minus strand). Cytogenetic location: 1q41.
Variant type: single nucleotide variant.
Coding change: c.9258+15T>C on transcript NM_206933.4 (MANE Select); 15 bases into the intron after coding-DNA position 9258, T replaced by C.
Molecular consequence: intron variant.
Genome position (GRCh38, 1-based): chr1:215,844,279, A>G on the plus strand (T>C on the coding strand, the complement: USH2A is on the minus strand). VCF-style: chr1-215844279-A-G. GRCh37 (hg19) VCF-style: chr1-216017621-A-G.
Identifiers: ClinVar variation 166465 (VCV000166465.15), dbSNP rs181894778, ClinGen allele CA179528.

ClinVar aggregate classification (germline): Benign/Likely benign. Review status: criteria provided, multiple submitters, no conflicts (2 of 4 stars). 5 submissions from 4 submitters: Benign (3); Likely benign (2). Last evaluated 2026-01-24.

Conditions:
Usher syndrome type 2A. Also called: USHER SYNDROME, TYPE IIA; RETINAL DISEASE IN USHER SYNDROME TYPE IIA, MODIFIER OF. Identifiers: Orphanet 231178, Orphanet 886, MedGen C1848634, MONDO:0010169, OMIM 276901.
Retinitis pigmentosa 39 (RP39). Identifiers: Orphanet 791, MedGen C3151138, MONDO:0013436, OMIM 613809.

Allele frequency attached by ClinVar (database versions not stated): gnomAD exomes 0.00019 and 0.00084; gnomAD 0.00047 and 0.00049; TOPMed 0.00054; ExAC 0.00088; 1000 Genomes Project 30x 0.00141; 1000 Genomes Project 0.00160.
gnomAD v4.1: 439 of 1,612,910 alleles (0.027%); highest among the groups gnomAD compares: East Asian, 0.68%; 2 homozygotes.

Submissions (5):

Labcorp Genetics (formerly Invitae), Labcorp
Classification: Benign. Last evaluated: 2026-01-24. Review status: criteria provided, single submitter. Criteria: Invitae Variant Classification Sherloc (09022015). Collection method: clinical testing. Allele origin: germline.

Blueprint Genetics
Classification: Likely benign. Last evaluated: 2024-11-20. Review status: criteria provided, single submitter. Criteria: ACMG Guidelines, 2015. Collection method: clinical testing. Allele origin: germline.

Genome-Nilou Lab
Classification: Benign for Retinitis pigmentosa 39. Last evaluated: 2023-04-11. Review status: criteria provided, single submitter. Criteria: ACMG Guidelines, 2015. Collection method: clinical testing. Allele origin: germline. Affected: no.

Genome-Nilou Lab
Classification: Benign for Usher syndrome type 2A. Last evaluated: 2023-04-11. Review status: criteria provided, single submitter. Criteria: ACMG Guidelines, 2015. Collection method: clinical testing. Allele origin: germline. Affected: no.

Laboratory for Molecular Medicine, Mass General Brigham Personalized Medicine
Classification: Likely benign. Last evaluated: 2013-10-11. Review status: criteria provided, single submitter. Criteria: LMM Criteria. Collection method: clinical testing. Allele origin: germline. Observed: 2 variant alleles.
Comment: 9258+15T>C in Intron 46 of USH2A: This variant is not expected to have clinical significance because it is not located in the splice consensus sequence and was detected in 1% (4/394) Chinese chromosomes screened by the 1000 Genomes Project (dbSNP rs181894778).